The following is an entry in ClinVar:

NC_000006.11:g.(?_108375674)_(108375811_?)dup

Gene: OSTM1 (osteoclastogenesis associated transmembrane protein 1; minus strand). Cytogenetic location: 6q21.
Variant type: Duplication.
Identifiers: ClinVar variation 3246218 (VCV003246218.1).

ClinVar aggregate classification (germline): Likely pathogenic (1 of 4 stars; one submission).

Submission:

Labcorp Genetics (formerly Invitae), Labcorp
Classification: Likely pathogenic. Last evaluated: 2023-06-14. Review status: criteria provided, single submitter. Criteria: Invitae Variant Classification Sherloc (09022015). Collection method: clinical testing. Allele origin: unknown.
Comment: In summary, the currently available evidence indicates that the variant is pathogenic, but additional data are needed to prove that conclusively. Therefore, this variant has been classified as Likely Pathogenic. This variant has not been reported in the literature in individuals affected with OSTM1-related conditions. This variant results in a copy number gain of the genomic region encompassing exon(s) 3 of the OSTM1 gene. While the exact position of this variant cannot be determined from the data, sub-genic copy number gains are generally in tandem (PMID: 25640679). This variant is predicted to be out-of-frame, and may result in an absent or disrupted protein product. Loss-of-function variants in OSTM1 are known to be pathogenic (PMID: 12627228, 15108279, 16813530).

Literature cited by the submitters: PubMed 25640679; PubMed 12627228; PubMed 15108279; PubMed 16813530.